The following is an entry in ClinVar:

NM_020791.4(TAOK1):c.728del (p.Pro243fs)

Gene: TAOK1 (TAO kinase 1; plus strand). Cytogenetic location: 17q11.2.
Variant type: Deletion.
Coding change: c.728del on transcript NM_020791.4 (MANE Select); coding-DNA position 728, one base deleted (C; older notation c.728delC).
Protein change: p.Pro243fs; shifts the reading frame from proline 243.
Molecular consequence: frameshift variant.
Genome position (GRCh38, 1-based): chr17:29,489,736, C deleted; the last of 4 consecutive C bases (chr17:29,489,733-29,489,736); deleting any one gives the same sequence. VCF-style (leftmost placement, unchanged base first): chr17-29489732-TC-T. GRCh37 (hg19) VCF-style: chr17-27816750-TC-T.
Other names: c.728del, p.Pro243fs (NM_025142.1); short protein forms P243fs.
Identifiers: ClinVar variation 3377100 (VCV003377100.1).

ClinVar aggregate classification (germline): Pathogenic (1 of 4 stars; one submission).

Conditions:
Developmental delay with or without intellectual impairment or behavioral abnormalities. Identifiers: MedGen C5562004, MONDO:0859199, OMIM 619575.

Submission:

Victorian Clinical Genetics Services, Murdoch Childrens Research Institute
Classification: Pathogenic for Developmental delay with or without intellectual impairment or behavioral abnormalities. Last evaluated: 2024-10-09. Review status: criteria provided, single submitter. Criteria: ACMG Guidelines, 2015. Collection method: clinical testing. Allele origin: germline. Inheritance: Autosomal dominant inheritance. Affected: yes.
Comment: Based on the classification scheme VCGS_Germline_v1.3.4, this variant is classified as Pathogenic. Following criteria are met: 0102 - Loss of function is a known mechanism of disease in this gene and is associated with developmental delay with or without intellectual impairment or behavioural abnormalities (MIM#619575). (I) 0107 - This gene is associated with autosomal dominant disease. (I) 0115 - Variants in this gene are known to have variable expressivity. There have been reports of affected individuals inheriting variants from mildly affected parents (OMIM). (I) 0201 - Variant is predicted to cause nonsense-mediated decay (NMD) and loss of protein (premature termination codon is located at least 54 nucleotides upstream of the final exon-exon junction). (SP) 0251 - This variant is heterozygous. (I) 0301 - Variant is absent from gnomAD (both v2 and v3). (SP) 0701 - Other NMD-predicted variants comparable to the one identified in this case have very strong previous evidence for pathogenicity. Many NMD-predicted variants have been reported as pathogenic or likely pathogenic (ClinVar). (SP) 0807 - This variant has no previous evidence of pathogenicity. (I) 0905 - No published segregation evidence has been identified for this variant. (I) 1007 - No published functional evidence has been identified for this variant. (SP) Legend: (SP) - Supporting pathogenic, (I) - Information, (SB) - Supporting benign